The following is an entry in ClinVar:

NM_000138.5(FBN1):c.5534G>C (p.Gly1845Ala)

Gene: FBN1 (fibrillin 1; minus strand). Cytogenetic location: 15q21.1.
Variant type: single nucleotide variant.
Coding change: c.5534G>C on transcript NM_000138.5 (MANE Select); coding-DNA position 5534, G replaced by C.
Protein change: p.Gly1845Ala; replaces glycine 1845 with alanine.
Molecular consequence: missense variant.
Genome position (GRCh38, 1-based): chr15:48,452,573, C>G on the plus strand (G>C on the coding strand, the complement: FBN1 is on the minus strand). VCF-style: chr15-48452573-C-G. GRCh37 (hg19) VCF-style: chr15-48744770-C-G.
Other names: c.5534G>C, p.Gly1845Ala (NM_001406716.1); short protein forms G1845A.
Identifiers: ClinVar variation 3386783 (VCV003386783.1).

ClinVar aggregate classification (germline): Uncertain significance (1 of 4 stars; one submission).

Conditions:
Marfan syndrome (MFS). Also called: MARFAN SYNDROME, TYPE I; Marfan syndrome type 1; Marfan's syndrome; FBN1-Related Marfan Syndrome; Marfan syndrome, classic. Identifiers: Orphanet 284963, Orphanet 558, MedGen C0024796, MONDO:0007947, OMIM 154700.

Submission:

All of Us Research Program, National Institutes of Health
Classification: Uncertain significance for Marfan syndrome. Last evaluated: 2024-08-13. Review status: criteria provided, single submitter. Criteria: ACMG Guidelines, 2015. Collection method: clinical testing. Allele origin: germline. Inheritance: Autosomal dominant inheritance. Observed: 1 variant allele, 1 heterozygote.
Comment: This missense variant replaces glycine with alanine at codon 1845 of the FBN1 protein. Computational prediction suggests that this variant may have deleterious impact on protein structure and function (internally defined REVEL score threshold >= 0.7, PMID: 27666373). To our knowledge, functional studies have not been reported for this variant. This variant has not been reported in individuals affected with FBN1-related disorders in the literature. This variant has not been identified in the general population by the Genome Aggregation Database (gnomAD). The available evidence is insufficient to determine the role of this variant in disease conclusively. Therefore, this variant is classified as a Variant of Uncertain Significance.

This study involves interpretation of variants in research participants for the purpose of population health screening. Participant phenotype was not available at the time of variant classification. Additional details can be found in publication PMID: 35346344, PMCID: PMC8962531